The following is an entry in ClinVar:

NM_003105.6(SORL1):c.2174C>T (p.Thr725Met)

Gene: SORL1 (sortilin related receptor 1; plus strand). Cytogenetic location: 11q24.1.
Variant type: single nucleotide variant.
Coding change: c.2174C>T on transcript NM_003105.6 (MANE Select); coding-DNA position 2174, C replaced by T.
Protein change: p.Thr725Met; replaces threonine 725 with methionine.
Molecular consequence: missense variant.
Genome position (GRCh38, 1-based): chr11:121,550,082, C>T. VCF-style: chr11-121550082-C-T. GRCh37 (hg19) VCF-style: chr11-121420791-C-T.
Other names: short protein forms T725M.
Identifiers: ClinVar variation 3016255 (VCV003016255.3), dbSNP rs748562578, ClinGen allele CA6328846.
Genomic context (GRCh38, chr11:121,550,082, plus strand): 5'-TTTCTGGAAAGTCATACTCCCCTCCTGTGCCTTGCCCTGTGGGTTCTACTTACAGGAGAA[C>T]GAGAGGGTATGTATCACAGAGGTTGCCCTGTCAGGTTCTCAGCGGTCCGCACATGGAGCG-3'
Protein context (NP_003096.2, residues 715-735): PCPVGSTYRR[Thr725Met]RGYRKISGDT

ClinVar aggregate classification (germline): Uncertain significance (1 of 4 stars; one submission).

Allele frequency attached by ClinVar (database versions not stated): gnomAD exomes 0.00002; TOPMed 0.00002; ExAC 0.00004.
gnomAD v4.1: 33 of 1,612,884 alleles (0.002%); highest among the groups gnomAD compares: South Asian, 0.0033%; no homozygotes.

Submission:

Labcorp Genetics (formerly Invitae), Labcorp
Classification: Uncertain significance. Last evaluated: 2023-07-08. Review status: criteria provided, single submitter. Criteria: Invitae Variant Classification Sherloc (09022015). Collection method: clinical testing. Allele origin: germline.
Comment: This sequence change replaces threonine, which is neutral and polar, with methionine, which is neutral and non-polar, at codon 725 of the SORL1 protein (p.Thr725Met). In summary, the available evidence is currently insufficient to determine the role of this variant in disease. Therefore, it has been classified as a Variant of Uncertain Significance. An algorithm developed to predict the effect of missense changes on protein structure and function (PolyPhen-2) suggests that this variant is likely to be disruptive. This variant has not been reported in the literature in individuals affected with SORL1-related conditions. This variant is present in population databases (rs748562578, gnomAD 0.01%).